The following is an entry in ClinVar:

NM_002474.3(MYH11):c.5580C>G (p.Asp1860Glu)

Genes: MYH11 (myosin heavy chain 11; minus strand), NDE1 (nudE neurodevelopment protein 1; plus strand). Cytogenetic location: 16p13.11.
Variant type: single nucleotide variant.
Coding change: c.5580C>G on transcript NM_002474.3 (MANE Select); coding-DNA position 5580, C replaced by G.
Protein change: p.Asp1860Glu; replaces aspartic acid 1860 with glutamic acid.
Molecular consequence: missense variant. On other transcripts: intron variant (2).
Genome position (GRCh38, 1-based): chr16:15,715,197, G>C on the plus strand (C>G on the coding strand, the complement: MYH11 is on the minus strand). VCF-style: chr16-15715197-G-C. GRCh37 (hg19) VCF-style: chr16-15809054-G-C.
Other names: c.5601C>G, p.Asp1867Glu (NM_001040113.2, NM_001040114.2); c.5580C>G, p.Asp1860Glu (NM_022844.3); c.948-8994G>C (NM_001143979.2, NM_017668.3); short protein forms D1860E, D1867E.
Identifiers: ClinVar variation 3387162 (VCV003387162.1).

ClinVar aggregate classification (germline): Uncertain significance (1 of 4 stars; one submission).

Conditions:
Familial thoracic aortic aneurysm and aortic dissection (TAAD). Also called: Thoracic aortic aneurysms and dissections. Identifiers: Orphanet 91387, MedGen C4707243, MONDO:0019625.

Submission:

All of Us Research Program, National Institutes of Health
Classification: Uncertain significance for Familial thoracic aortic aneurysm and aortic dissection. Last evaluated: 2024-04-25. Review status: criteria provided, single submitter. Criteria: ACMG Guidelines, 2015. Collection method: clinical testing. Allele origin: germline. Inheritance: Autosomal dominant inheritance. Observed: 1 variant allele, 1 heterozygote.
Comment: This missense variant replaces aspartic acid with glutamic acid at codon 1867 of the MYH11 protein. Computational prediction suggests that this variant may not impact protein structure and function (internally defined REVEL score threshold <= 0.5, PMID: 27666373). To our knowledge, functional studies have not been reported for this variant. This variant has not been reported in individuals affected with MYH11-related disorders in the literature. This variant has not been identified in the general population by the Genome Aggregation Database (gnomAD). The available evidence is insufficient to determine the role of this variant in disease conclusively. Therefore, this variant is classified as a Variant of Uncertain Significance.

This study involves interpretation of variants in research participants for the purpose of population health screening. Participant phenotype was not available at the time of variant classification. Additional details can be found in publication PMID: 35346344, PMCID: PMC8962531